The following is an entry in ClinVar:

NM_182916.3(TRNT1):c.67C>G (p.Pro23Ala)

Gene: TRNT1 (tRNA nucleotidyl transferase 1; plus strand). Cytogenetic location: 3p26.2.
Variant type: single nucleotide variant.
Coding change: c.67C>G on transcript NM_182916.3 (MANE Select); coding-DNA position 67, C replaced by G.
Protein change: p.Pro23Ala; replaces proline 23 with alanine.
Molecular consequence: missense variant. On other transcripts: non-coding transcript variant (11).
Genome position (GRCh38, 1-based): chr3:3,129,107, C>G. VCF-style: chr3-3129107-C-G. GRCh37 (hg19) VCF-style: chr3-3170791-C-G.
Other names: p.Pro23Ala; c.67C>G, p.Pro23Ala (NM_001302946.2, NM_001367321.1, NM_001367322.1 and 1 more transcripts); short protein forms P23A.
Identifiers: ClinVar variation 506590 (VCV000506590.8), dbSNP rs183596892, ClinGen allele CA2228500.

ClinVar aggregate classification (germline): Benign/Likely benign. Review status: criteria provided, multiple submitters, no conflicts (2 of 4 stars). 5 submissions from 5 submitters: Benign (4); Likely benign (1). Last evaluated 2025-03-31.

Conditions:
Retinal dystrophy. Also called: Inherited retinal dystrophy. Identifiers: Orphanet 71862, MedGen C0854723, MeSH D058499, MONDO:0019118, HP:0000556.
Congenital sideroblastic anemia-B-cell immunodeficiency-periodic fever-developmental delay syndrome. Also called: Sideroblastic anemia with B-cell immunodeficiency, periodic fevers, and developmental delay. Identifiers: Orphanet 369861, MedGen C4015172, MONDO:0014487, OMIM 616084.

Allele frequency attached by ClinVar (database versions not stated): gnomAD exomes 0.00030 and 0.00166; gnomAD 0.00058 and 0.00069; TOPMed 0.00077; ExAC 0.00139; 1000 Genomes Project 0.00280.
gnomAD v4.1: 606 of 1,614,136 alleles (0.038%); highest among the groups gnomAD compares: East Asian, 1.1%; 5 homozygotes.

Submissions (5):

Mayo Clinic Laboratories, Mayo Clinic
Classification: Benign. Last evaluated: 2025-03-31. Review status: criteria provided, single submitter. Criteria: ACMG Guidelines, 2015. Collection method: clinical testing. Allele origin: germline. Observed: 2 variant alleles.
Comment: BS1, BS2_supporting, BP4_moderate

Blueprint Genetics
Classification: Likely benign. Last evaluated: 2024-10-31. Review status: criteria provided, single submitter. Criteria: ACMG Guidelines, 2015. Collection method: clinical testing. Allele origin: germline.

Dept Of Ophthalmology, Nagoya University
Classification: Benign for Retinal dystrophy. Last evaluated: 2023-10-01. Review status: criteria provided, single submitter. Criteria: Submitter's publication. Collection method: research. Allele origin: germline. Affected: yes.

Labcorp Genetics (formerly Invitae), Labcorp
Classification: Benign for Sideroblastic anemia with B-cell immunodeficiency, periodic fevers, and developmental delay. Last evaluated: 2019-12-31. Review status: criteria provided, single submitter. Criteria: Invitae Variant Classification Sherloc (09022015). Collection method: clinical testing. Allele origin: germline.

GeneDx
Classification: Benign. Last evaluated: 2017-02-16. Review status: criteria provided, single submitter. Criteria: GeneDx Variant Classification (06012015). Collection method: clinical testing. Allele origin: germline. Affected: yes.
Comment: This variant is considered likely benign or benign based on one or more of the following criteria: it is a conservative change, it occurs at a poorly conserved position in the protein, it is predicted to be benign by multiple in silico algorithms, and/or has population frequency not consistent with disease.